The following is an entry in ClinVar:

NM_015295.3(SMCHD1):c.5917C>T (p.His1973Tyr)

Gene: SMCHD1 (structural maintenance of chromosomes flexible hinge domain containing 1; plus strand). Cytogenetic location: 18p11.32.
Variant type: single nucleotide variant.
Coding change: c.5917C>T on transcript NM_015295.3 (MANE Select); coding-DNA position 5917, C replaced by T.
Protein change: p.His1973Tyr; replaces histidine 1973 with tyrosine.
Molecular consequence: missense variant.
Genome position (GRCh38, 1-based): chr18:2,796,445, C>T. VCF-style: chr18-2796445-C-T. GRCh37 (hg19) VCF-style: chr18-2796443-C-T.
Other names: short protein forms H1973Y.
Identifiers: ClinVar variation 1409465 (VCV001409465.6), dbSNP rs1168784839, ClinGen allele CA401691604.

ClinVar aggregate classification (germline): Uncertain significance (1 of 4 stars; one submission).

Conditions:
Facioscapulohumeral muscular dystrophy 2 (FSHD2). Also called: FACIOSCAPULOHUMERAL MUSCULAR DYSTROPHY 2, DIGENIC; FSHD2, DIGENIC; MUSCULAR DYSTROPHY, FACIOSCAPULOHUMERAL, TYPE 1B. Identifiers: Orphanet 269, MedGen C1834671, MONDO:0008031, OMIM 158901.

Allele frequency attached by ClinVar (database versions not stated): gnomAD 0.00001; TOPMed 0.00001.

Submission:

Labcorp Genetics (formerly Invitae), Labcorp
Classification: Uncertain significance for Facioscapulohumeral muscular dystrophy 2. Last evaluated: 2024-05-25. Review status: criteria provided, single submitter. Criteria: Invitae Variant Classification Sherloc (09022015). Collection method: clinical testing. Allele origin: germline.
Comment: This sequence change replaces histidine, which is basic and polar, with tyrosine, which is neutral and polar, at codon 1973 of the SMCHD1 protein (p.His1973Tyr). This variant is not present in population databases (gnomAD no frequency). This variant has not been reported in the literature in individuals affected with SMCHD1-related conditions. ClinVar contains an entry for this variant (Variation ID: 1409465). An algorithm developed to predict the effect of missense changes on protein structure and function (PolyPhen-2) suggests that this variant is likely to be tolerated. In summary, the available evidence is currently insufficient to determine the role of this variant in disease. Therefore, it has been classified as a Variant of Uncertain Significance.